The following is an entry in ClinVar:

ClinVar aggregate classification (germline): Uncertain significance (1 of 4 stars; one submission).

Conditions:
Nephronophthisis. Also called: Juvenile Nephronophthisis. Identifiers: Orphanet 655, MedGen C0687120, MONDO:0019005, HP:0000090.

Allele frequency attached by ClinVar (database versions not stated): gnomAD exomes 0.00001 and 0.00004; TOPMed 0.00001; ExAC 0.00002; gnomAD 0.00002; ESP Exome Variant Server 0.00008.
gnomAD v4.1: 23 of 1,612,818 alleles (0.0014%); highest among the groups gnomAD compares: South Asian, 0.0022%; no homozygotes.

Submission:

Labcorp Genetics (formerly Invitae), Labcorp
Classification: Uncertain significance for Nephronophthisis. Last evaluated: 2022-02-24. Review status: criteria provided, single submitter. Criteria: Invitae Variant Classification Sherloc (09022015). Collection method: clinical testing. Allele origin: germline.
Comment: This sequence change replaces arginine, which is basic and polar, with glutamine, which is neutral and polar, at codon 899 of the INVS protein (p.Arg899Gln). This variant is present in population databases (rs142177132, gnomAD 0.005%). This variant has not been reported in the literature in individuals affected with INVS-related conditions. ClinVar contains an entry for this variant (Variation ID: 1008202). Algorithms developed to predict the effect of missense changes on protein structure and function are either unavailable or do not agree on the potential impact of this missense change (SIFT: "Deleterious"; PolyPhen-2: "Probably Damaging"; Align-GVGD: "Class C0"). In summary, the available evidence is currently insufficient to determine the role of this variant in disease. Therefore, it has been classified as a Variant of Uncertain Significance.

NM_014425.5(INVS):c.2696G>A (p.Arg899Gln)

Gene: INVS (inversin; plus strand). Cytogenetic location: 9q31.1.
Variant type: single nucleotide variant.
Coding change: c.2696G>A on transcript NM_014425.5 (MANE Select); coding-DNA position 2696, G replaced by A.
Protein change: p.Arg899Gln; replaces arginine 899 with glutamine.
Molecular consequence: missense variant. On other transcripts: non-coding transcript variant (1).
Genome position (GRCh38, 1-based): chr9:100,292,953, G>A. VCF-style: chr9-100292953-G-A. GRCh37 (hg19) VCF-style: chr9-103055235-G-A.
Other names: c.2408G>A, p.Arg803Gln (NM_001318381.2); c.1718G>A, p.Arg573Gln (NM_001318382.2); short protein forms R573Q, R803Q, R899Q.
Identifiers: ClinVar variation 1008202 (VCV001008202.6), dbSNP rs142177132, ClinGen allele CA5158678.
Genomic context (GRCh38, chr9:100,292,953, plus strand): 5'-CAGCACCTGGTCCCCTCTCTGGGCAGAGTGTGAATATTGACCTTCTCCCCGTAGAGCTCC[G>A]ACTGCAGATAATTCAGAGAGAACGAAGGAGGAAGGAGCTGTTTCGCAAAAAGAACAAGGC-3'
Protein context (NP_055240.2, residues 889-909): VNIDLLPVEL[Arg899Gln]LQIIQRERRR